The following is an entry in ClinVar:

ClinVar aggregate classification (germline): Uncertain significance (1 of 4 stars; one submission).

Conditions:
Elliptocytosis 2 (EL2). Also called: ELLIPTOCYTOSIS, RHESUS-UNLINKED TYPE. Identifiers: Orphanet 288, MedGen C1851741, MONDO:0007533, OMIM 130600.

gnomAD v4.1: 1 of 1,614,146 alleles (0.000062%); highest among the groups gnomAD compares: Non-Finnish European, 0.000085%; no homozygotes.

Submission:

Neuberg Centre For Genomic Medicine, NCGM
Classification: Uncertain significance for Elliptocytosis 2. Last evaluated: 2023-02-14. Review status: criteria provided, single submitter. Criteria: ACMG Guidelines, 2015. Collection method: clinical testing. Allele origin: germline. Inheritance: Autosomal dominant inheritance. Affected: yes.
Comment: The missense c.5261A>G (p.Lys1754Arg) variant in SPTA1 gene has not been reported previously as a pathogenic variant nor as a benign variant, to our knowledge. The p.Lys1754Arg variant is novel (not in any individuals) in gnomAD Exomes and 1000 Genomes. This variant has not been reported to the ClinVar database. The amino acid Lys at position 1754 is changed to a Arg changing protein sequence and it might alter its composition and physico-chemical properties. The amino acid change p.Lys1754Arg in SPTA1 is predicted as conserved by GERP++ and PhyloP across 100 vertebrates. For these reasons, this variant has been classified as Variant of Uncertain Significance (VUS)

NM_003126.4(SPTA1):c.5261A>G (p.Lys1754Arg)

Gene: SPTA1 (spectrin alpha, erythrocytic 1; minus strand). Cytogenetic location: 1q23.1.
Variant type: single nucleotide variant.
Coding change: c.5261A>G on transcript NM_003126.4 (MANE Select); coding-DNA position 5261, A replaced by G.
Protein change: p.Lys1754Arg; replaces lysine 1754 with arginine.
Molecular consequence: missense variant.
Genome position (GRCh38, 1-based): chr1:158,636,690, T>C on the plus strand (A>G on the coding strand, the complement: SPTA1 is on the minus strand). VCF-style: chr1-158636690-T-C. GRCh37 (hg19) VCF-style: chr1-158606480-T-C.
Other names: short protein forms K1754R.
Identifiers: ClinVar variation 2671758 (VCV002671758.1), dbSNP rs1187078455, ClinGen allele CA343027210.